The following is an entry in ClinVar:

NM_001282112.2(TOP3B):c.1352-10A>C

Gene: TOP3B (DNA topoisomerase III beta; minus strand). Cytogenetic location: 22q11.22.
Variant type: single nucleotide variant.
Coding change: c.1352-10A>C on transcript NM_001282112.2 (MANE Select); 10 bases into the intron before coding-DNA position 1352, A replaced by C.
Molecular consequence: intron variant.
Genome position (GRCh38, 1-based): chr22:21,962,612, T>G on the plus strand (A>C on the coding strand, the complement: TOP3B is on the minus strand). VCF-style: chr22-21962612-T-G. GRCh37 (hg19) VCF-style: chr22-22316984-T-G.
Other names: c.1352-10A>C (NM_001282113.2, NM_001349847.2, NM_001349845.2 and 1 more transcripts); c.944-10A>C (NM_001349848.2, NM_001349851.2, NM_001349850.2 and 1 more transcripts).
Identifiers: ClinVar variation 3041814 (VCV003041814.2), dbSNP rs201634829, ClinGen allele CA10125613.

ClinVar aggregate classification (germline): Likely benign (0 of 4 stars; one submission).

Conditions:
TOP3B-related disorder. Also called: TOP3B-related condition.

Allele frequency attached by ClinVar (database versions not stated): 1000 Genomes Project 30x 0.00047; 1000 Genomes Project 0.00060; gnomAD 0.00112; TOPMed 0.00122; ExAC 0.00128; ESP Exome Variant Server 0.00146.
gnomAD v4.1: 2,230 of 1,608,588 alleles (0.14%); highest among the groups gnomAD compares: Middle Eastern, 0.31%; 1 homozygote.

Submission:

PreventionGenetics, part of Exact Sciences
Classification: Likely benign for TOP3B-related condition. Last evaluated: 2020-02-18. Review status: no assertion criteria provided. Collection method: clinical testing. Allele origin: germline.
Comment: This variant is classified as likely benign based on ACMG/AMP sequence variant interpretation guidelines (Richards et al. 2015 PMID: 25741868, with internal and published modifications).